The following is an entry in ClinVar:

ClinVar aggregate classification (germline): Uncertain significance (1 of 4 stars; one submission).

Conditions:
Anophthalmia-microphthalmia syndrome. Also called: Anophthalmia - microphthalmia; Anophthalmia/Microphthalmia. Identifiers: Orphanet 98555, MedGen C5680330, MONDO:0020147.

Submission:

Labcorp Genetics (formerly Invitae), Labcorp
Classification: Uncertain significance for Anophthalmia-microphthalmia syndrome. Last evaluated: 2025-02-03. Review status: criteria provided, single submitter. Criteria: Invitae Variant Classification Sherloc (09022015). Collection method: clinical testing. Allele origin: germline.
Comment: This sequence change replaces arginine, which is basic and polar, with glycine, which is neutral and non-polar, at codon 94 of the OTX2 protein (p.Arg94Gly). This variant is not present in population databases (gnomAD no frequency). This variant has not been reported in the literature in individuals affected with OTX2-related conditions. An algorithm developed to predict the effect of missense changes on protein structure and function (PolyPhen-2) suggests that this variant is likely to be disruptive. In summary, the available evidence is currently insufficient to determine the role of this variant in disease. Therefore, it has been classified as a Variant of Uncertain Significance.

NM_021728.4(OTX2):c.304C>G (p.Arg102Gly)

Gene: OTX2 (orthodenticle homeobox 2; minus strand). Cytogenetic location: 14q22.3.
Variant type: single nucleotide variant.
Coding change: c.304C>G on transcript NM_021728.4 (MANE Select); coding-DNA position 304, C replaced by G.
Protein change: p.Arg102Gly; replaces arginine 102 with glycine.
Molecular consequence: missense variant. On other transcripts: non-coding transcript variant (2).
Genome position (GRCh38, 1-based): chr14:56,802,325, G>C on the plus strand (C>G on the coding strand, the complement: OTX2 is on the minus strand). VCF-style: chr14-56802325-G-C. GRCh37 (hg19) VCF-style: chr14-57269043-G-C.
Other names: c.280C>G, p.Arg94Gly (NM_001270523.2, NM_001270524.2, NM_172337.3); c.304C>G, p.Arg102Gly (NM_001270525.2); short protein forms R94G, R102G.
Identifiers: ClinVar variation 3727084 (VCV003727084.2).